The following is an entry in ClinVar:

NM_004186.5(SEMA3F):c.2096G>A (p.Arg699Gln)

Gene: SEMA3F (semaphorin 3F; plus strand). Cytogenetic location: 3p21.31.
Variant type: single nucleotide variant.
Coding change: c.2096G>A on transcript NM_004186.5 (MANE Select); coding-DNA position 2096, G replaced by A.
Protein change: p.Arg699Gln; replaces arginine 699 with glutamine.
Molecular consequence: missense variant.
Genome position (GRCh38, 1-based): chr3:50,187,853, G>A. VCF-style: chr3-50187853-G-A. GRCh37 (hg19) VCF-style: chr3-50225286-G-A.
Other names: c.1799G>A, p.Arg600Gln (NM_001318798.2); c.2003G>A, p.Arg668Gln (NM_001318800.2); short protein forms R600Q, R668Q, R699Q.
Identifiers: ClinVar variation 2628615 (VCV002628615.2), dbSNP rs1310651698, ClinGen allele CA352903841.

ClinVar aggregate classification (germline): Uncertain significance (1 of 4 stars; one submission).

Conditions:
SEMA3F-related disorder. Also called: SEMA3F-related condition.

Allele frequency attached by ClinVar (database versions not stated): gnomAD 0.00001; gnomAD exomes 0.00001.

Submission:

PreventionGenetics, part of Exact Sciences
Classification: Uncertain significance for SEMA3F-related condition. Last evaluated: 2025-10-15. Review status: criteria provided, single submitter. Criteria: ACMG Guidelines, 2015. Collection method: clinical testing. Allele origin: germline.
Comment: The SEMA3F c.2096G>A variant is predicted to result in the amino acid substitution p.Arg699Gln. To our knowledge, this variant has not been reported in the literature. This variant is reported in 0.0029% of alleles in individuals of Latino descent in gnomAD. At this time, the clinical significance of this variant is uncertain due to the absence of conclusive functional and genetic evidence.